The following is an entry in ClinVar:

ClinVar aggregate classification (germline): Conflicting classifications of pathogenicity. Review status: criteria provided, conflicting classifications (1 of 4 stars). 5 submissions from 5 submitters: Likely pathogenic (3); Uncertain significance (2). Last evaluated 2023-05-31.

Conditions:
Menke-Hennekam syndrome 1 (MKHK1). Identifiers: MedGen C5193034, MONDO:0020763, OMIM 618332.
Inborn genetic diseases. Identifiers: MedGen C0950123, MeSH D030342.

Submissions (5):

GeneDx
Classification: Likely pathogenic. Last evaluated: 2023-05-31. Review status: criteria provided, single submitter. Criteria: GeneDx Variant Classification Process June 2021. Collection method: clinical testing. Allele origin: germline. Affected: yes.
Comment: In silico analysis supports that this missense variant has a deleterious effect on protein structure/function; Not observed at significant frequency in large population cohorts (gnomAD); Has not been previously published as pathogenic or benign to our knowledge; This variant is associated with the following publications: (PMID: 27311832)

Genetics and Molecular Pathology, SA Pathology
Classification: Likely pathogenic for Menke-Hennekam syndrome 1. Last evaluated: 2021-05-17. Review status: criteria provided, single submitter. Criteria: ACMG Guidelines, 2015. Collection method: clinical testing. Allele origin: germline. Affected: yes.

Equipe Genetique des Anomalies du Developpement, Université de Bourgogne
Classification: Likely pathogenic for Menke-Hennekam syndrome 1. Last evaluated: 2019-08-21. Review status: criteria provided, single submitter. Criteria: ACMG Guidelines, 2015. Collection method: clinical testing. Allele origin: de novo. Affected: yes.

Ambry Genetics
Classification: Uncertain significance for Inborn genetic diseases. Last evaluated: 2017-03-15. Review status: criteria provided, single submitter. Criteria: Ambry exome assertion method (8-5-2015). Collection method: clinical testing. Allele origin: germline. Affected: yes. Observed: 1 variant allele.

Neuberg Centre For Genomic Medicine, NCGM
Classification: Uncertain significance for Menke-Hennekam syndrome 1. Review status: criteria provided, single submitter. Criteria: ACMG Guidelines, 2015. Collection method: clinical testing. Allele origin: germline. Inheritance: Autosomal dominant inheritance. Affected: yes.
Comment: The c.5366A>G (p.Asn1789Ser) missense variant in CREBBP gene has been submitted to ClinVar with varying interpretations: Likely Pathogenic / Variant of Uncertain Significance, but no details are available for independent assessment. It has not been reported in affected individuals. The p.Asn1789Ser variant is novel (not in any individuals) in gnomAD Exomes and 1000 Genomes. The amino acid Asn at position 1789 is changed to a Ser changing protein sequence and it might alter its composition and physico-chemical properties. The amino acid change p.Asn1789Ser in CREBBP is predicted as conserved by GERP++ and PhyloP across 100 vertebrates. For these reasons, this variant has been classified as Variant of Uncertain Significance.

Literature cited by the submitters: PubMed 11023789 (cited by Ambry Genetics); PubMed 9215639 (cited by Ambry Genetics); PubMed 19651603 (cited by Ambry Genetics).

NM_004380.3(CREBBP):c.5366A>G (p.Asn1789Ser)

Gene: CREBBP (CREB binding lysine acetyltransferase; minus strand). Cytogenetic location: 16p13.3.
Variant type: single nucleotide variant.
Coding change: c.5366A>G on transcript NM_004380.3 (MANE Select); coding-DNA position 5366, A replaced by G.
Protein change: p.Asn1789Ser; replaces asparagine 1789 with serine.
Molecular consequence: missense variant.
Genome position (GRCh38, 1-based): chr16:3,729,681, T>C on the plus strand (A>G on the coding strand, the complement: CREBBP is on the minus strand). VCF-style: chr16-3729681-T-C. GRCh37 (hg19) VCF-style: chr16-3779682-T-C.
Other names: c.5252A>G, p.Asn1751Ser (NM_001079846.1); short protein forms N1789S, N1751S.
Identifiers: ClinVar variation 521543 (VCV000521543.10), dbSNP rs1064794963, ClinGen allele CA394557043.